The following is an entry in ClinVar:

NM_213655.5(WNK1):c.2834G>T (p.Arg945Leu)

Gene: WNK1 (WNK lysine deficient protein kinase 1; plus strand). Cytogenetic location: 12p13.33.
Variant type: single nucleotide variant.
Coding change: c.2834G>T on transcript NM_213655.5 (MANE Plus Clinical); coding-DNA position 2834, G replaced by T.
Protein change: p.Arg945Leu; replaces arginine 945 with leucine.
Molecular consequence: missense variant. On other transcripts: intron variant (2).
Genome position (GRCh38, 1-based): chr12:868,305, G>T. VCF-style: chr12-868305-G-T. GRCh37 (hg19) VCF-style: chr12-977471-G-T.
Other names: c.2579G>T, p.Arg860Leu (NM_001184985.2); c.2140-2960G>T (NM_018979.4, NM_014823.3); short protein forms R860L, R945L.
Identifiers: ClinVar variation 1722124 (VCV001722124.5), dbSNP rs773884230, ClinGen allele CA383339717.

ClinVar aggregate classification (germline): Uncertain significance (1 of 4 stars; one submission).

Conditions:
Neuropathy, hereditary sensory and autonomic, type 2A (HSAN2A). Also called: MORVAN DISEASE; NEUROPATHY, CONGENITAL SENSORY; NEUROPATHY, HEREDITARY SENSORY RADICULAR, AUTOSOMAL RECESSIVE; NEUROPATHY, HEREDITARY SENSORY, TYPE IIA; NEUROPATHY, PROGRESSIVE SENSORY, OF CHILDREN; ACROOSTEOLYSIS, GIACCAI TYPE. Identifiers: Orphanet 970, MedGen C2752089, MONDO:0024309, OMIM 201300.
Pseudohypoaldosteronism type 2C (PHA2C). Also called: Pseudohypoaldosteronism Type IIC. Identifiers: Orphanet 757, Orphanet 88940, MedGen C1840391, MONDO:0013778, OMIM 614492.

gnomAD v4.1: 1 of 1,610,424 alleles (0.000062%); highest among the groups gnomAD compares: Non-Finnish European, 0.000085%; no homozygotes.

Submission:

Labcorp Genetics (formerly Invitae), Labcorp
Classification: Uncertain significance for Neuropathy, hereditary sensory and autonomic, type 2A; Pseudohypoaldosteronism type 2C. Last evaluated: 2022-10-25. Review status: criteria provided, single submitter. Criteria: Invitae Variant Classification Sherloc (09022015). Collection method: clinical testing. Allele origin: germline.
Comment: This sequence change replaces arginine, which is basic and polar, with leucine, which is neutral and non-polar, at codon 945 of the WNK1 protein (p.Arg945Leu). This variant is not present in population databases (gnomAD no frequency). This variant has not been reported in the literature in individuals affected with WNK1-related conditions. Advanced modeling of protein sequence and biophysical properties (such as structural, functional, and spatial information, amino acid conservation, physicochemical variation, residue mobility, and thermodynamic stability) performed at Invitae indicates that this missense variant is not expected to disrupt WNK1 protein function. In summary, the available evidence is currently insufficient to determine the role of this variant in disease. Therefore, it has been classified as a Variant of Uncertain Significance.